The following is an entry in ClinVar:

NM_001374828.1(ARID1B):c.4509C>T (p.Tyr1503=)

Gene: ARID1B (AT-rich interaction domain 1B; plus strand). Cytogenetic location: 6q25.3.
Variant type: single nucleotide variant.
Coding change: c.4509C>T on transcript NM_001374828.1 (MANE Select); coding-DNA position 4509, C replaced by T.
Protein change: p.Tyr1503=; no amino-acid change (tyrosine 1503 retained).
Molecular consequence: synonymous variant.
Genome position (GRCh38, 1-based): chr6:157,200,734, C>T. VCF-style: chr6-157200734-C-T. GRCh37 (hg19) VCF-style: chr6-157521868-C-T.
Other names: c.4140C>T, p.Tyr1380= (NM_020732.3); c.2010C>T, p.Tyr670= (NM_001363725.2); c.4389C>T, p.Tyr1463= (NM_001371656.1, NM_001374820.1); c.4350C>T, p.Tyr1450= (NM_017519.3).
Identifiers: ClinVar variation 210292 (VCV000210292.35), dbSNP rs377021700, ClinGen allele CA208927.
Genomic context (GRCh38, chr6:157,200,734, plus strand): 5'-TCAGGATGATTTGTCTTTCTGTGAATTCCAGAATTACAAACGCCATATGGACGGCATGTA[C>T]GGGCCCCCAGCCAAGCGCCACGAGGGCGACATGTACAACATGCAGTACAGCAGCCAGCAG-3'
Protein context (NP_001361757.1, residues 1493-1513): PNYKRHMDGM[Tyr1503=]GPPAKRHEGD

ClinVar aggregate classification (germline): Conflicting classifications of pathogenicity. Review status: criteria provided, conflicting classifications (1 of 4 stars). 3 submissions from 3 submitters: Uncertain significance (1); Likely benign (2). Last evaluated 2026-01-19.

Allele frequency attached by ClinVar (database versions not stated): gnomAD 0.00003 and 0.00004; gnomAD exomes 0.00003; TOPMed 0.00004; ExAC 0.00006; ESP Exome Variant Server 0.00008.
gnomAD v4.1: 49 of 1,612,126 alleles (0.003%); highest among the groups gnomAD compares: South Asian, 0.0055%; no homozygotes.

Submissions (3):

Labcorp Genetics (formerly Invitae), Labcorp
Classification: Likely benign. Last evaluated: 2026-01-19. Review status: criteria provided, single submitter. Criteria: Invitae Variant Classification Sherloc (09022015). Collection method: clinical testing. Allele origin: germline.

CeGaT Center for Human Genetics Tuebingen
Classification: Likely benign. Last evaluated: 2023-04-01. Review status: criteria provided, single submitter. Criteria: CeGaT Center For Human Genetics Tuebingen Variant Classification Criteria Version 2. Collection method: clinical testing. Allele origin: germline. Affected: yes. Observed: 1 variant allele.
Comment: ARID1B: BP4, BP7

Genetic Services Laboratory, University of Chicago
Classification: Uncertain significance. Last evaluated: 2014-09-17. Review status: criteria provided, single submitter. Criteria: ACMG Guidelines, 2015. Collection method: clinical testing. Allele origin: germline.